The following is an entry in ClinVar:

NM_004304.5(ALK):c.3953T>G (p.Leu1318Arg)

Gene: ALK (ALK receptor tyrosine kinase; minus strand). Cytogenetic location: 2p23.2.
Variant type: single nucleotide variant.
Coding change: c.3953T>G on transcript NM_004304.5 (MANE Select); coding-DNA position 3953, T replaced by G.
Protein change: p.Leu1318Arg; replaces leucine 1318 with arginine.
Molecular consequence: missense variant.
Genome position (GRCh38, 1-based): chr2:29,197,662, A>C on the plus strand (T>G on the coding strand, the complement: ALK is on the minus strand). VCF-style: chr2-29197662-A-C. GRCh37 (hg19) VCF-style: chr2-29420528-A-C.
Other names: c.749T>G, p.Leu250Arg (NM_001353765.2); short protein forms L1318R, L250R.
Identifiers: ClinVar variation 4843270 (VCV004843270.1).

ClinVar aggregate classification (germline): Uncertain significance (1 of 4 stars; one submission).

Conditions:
Hereditary cancer-predisposing syndrome. Also called: Neoplastic Syndromes, Hereditary; Tumor predisposition; Hereditary Cancer Syndrome; Hereditary neoplastic syndrome. Identifiers: Orphanet 140162, MedGen C0027672, MeSH D009386, MONDO:0015356.

Submission:

Ambry Genetics
Classification: Uncertain significance for Hereditary cancer-predisposing syndrome. Last evaluated: 2026-01-14. Review status: criteria provided, single submitter. Criteria: Ambry Variant Classification Scheme 2023. Collection method: clinical testing. Allele origin: germline.
Comment: The p.L1318R variant (also known as c.3953T>G), located in coding exon 27 of the ALK gene, results from a T to G substitution at nucleotide position 3953. The leucine at codon 1318 is replaced by arginine, an amino acid with dissimilar properties. This amino acid position is conserved. In addition, this alteration is predicted to be deleterious by in silico analysis. Based on the available evidence, the clinical significance of this variant remains unclear.